The following is an entry in ClinVar:

ClinVar aggregate classification (germline): Likely benign (1 of 4 stars; one submission).

gnomAD v4.1: 4 of 1,614,218 alleles (0.00025%); highest among the groups gnomAD compares: Admixed American, 0.0033%; no homozygotes.

Submission:

CeGaT Center for Human Genetics Tuebingen
Classification: Likely benign. Last evaluated: 2026-06-01. Review status: criteria provided, single submitter. Criteria: CeGaT Center For Human Genetics Tuebingen Variant Classification Criteria Version 2. Collection method: clinical testing. Allele origin: germline. Affected: yes. Observed: 1 variant allele.
Comment: ARID2: BS2

NM_152641.4(ARID2):c.4570A>G (p.Arg1524Gly)

Gene: ARID2 (AT-rich interaction domain 2; plus strand). Cytogenetic location: 12q12.
Variant type: single nucleotide variant.
Coding change: c.4570A>G on transcript NM_152641.4 (MANE Select); coding-DNA position 4570, A replaced by G.
Protein change: p.Arg1524Gly; replaces arginine 1524 with glycine.
Molecular consequence: missense variant.
Genome position (GRCh38, 1-based): chr12:45,852,693, A>G. VCF-style: chr12-45852693-A-G. GRCh37 (hg19) VCF-style: chr12-46246476-A-G.
Other names: c.4570A>G, p.Arg1524Gly (NM_001347839.2); short protein forms R1524G.
Identifiers: ClinVar variation 4875381 (VCV004875381.2).
Genomic context (GRCh38, chr12:45,852,693, plus strand): 5'-CGGTCTACAAATGGCACAGCAGAATGCAAAACTGTAAAGAGGCCAGCAGAGGATACTGAT[A>G]GGGAAACAGTCGCAGGAATTCCAAATAAAGTAGGAGTTAGAATTGTTACAATCAGTGACC-3'
Protein context (NP_689854.2, residues 1514-1534): TVKRPAEDTD[Arg1524Gly]ETVAGIPNKV